The following is an entry in ClinVar:

ClinVar aggregate classification (germline): Uncertain significance (1 of 4 stars; one submission).

Conditions:
Dilated cardiomyopathy 1JJ (CMD1JJ). Identifiers: Orphanet 154, MedGen C3808935, MONDO:0014095, OMIM 615235.

Submission:

Labcorp Genetics (formerly Invitae), Labcorp
Classification: Uncertain significance for Dilated cardiomyopathy 1JJ. Last evaluated: 2021-08-20. Review status: criteria provided, single submitter. Criteria: Invitae Variant Classification Sherloc (09022015). Collection method: clinical testing. Allele origin: germline.
Comment: This sequence change replaces alanine with aspartic acid at codon 1029 of the LAMA4 protein (p.Ala1029Asp). The alanine residue is highly conserved and there is a moderate physicochemical difference between alanine and aspartic acid. This variant is not present in population databases (ExAC no frequency). In summary, the available evidence is currently insufficient to determine the role of this variant in disease. Therefore, it has been classified as a Variant of Uncertain Significance. Algorithms developed to predict the effect of missense changes on protein structure and function (SIFT, PolyPhen-2, Align-GVGD) all suggest that this variant is likely to be disruptive. This variant has not been reported in the literature in individuals affected with LAMA4-related conditions.

NM_001105206.3(LAMA4):c.3107C>A (p.Ala1036Asp)

Gene: LAMA4 (laminin subunit alpha 4; minus strand). Cytogenetic location: 6q21.
Variant type: single nucleotide variant.
Coding change: c.3107C>A on transcript NM_001105206.3 (MANE Select); coding-DNA position 3107, C replaced by A.
Protein change: p.Ala1036Asp; replaces alanine 1036 with aspartic acid.
Molecular consequence: missense variant.
Genome position (GRCh38, 1-based): chr6:112,139,755, G>T on the plus strand (C>A on the coding strand, the complement: LAMA4 is on the minus strand). VCF-style: chr6-112139755-G-T. GRCh37 (hg19) VCF-style: chr6-112460957-G-T.
Other names: c.3086C>A, p.Ala1029Asp (NM_001105207.3, NM_002290.5); short protein forms A1029D, A1036D.
Identifiers: ClinVar variation 1376564 (VCV001376564.6), dbSNP rs2114694165, ClinGen allele CA365379181.